The following is an entry in ClinVar:

NM_004360.5(CDH1):c.408A>G (p.Gln136=)

Gene: CDH1 (cadherin 1; plus strand). Cytogenetic location: 16q22.1.
Variant type: single nucleotide variant.
Coding change: c.408A>G on transcript NM_004360.5 (MANE Select); coding-DNA position 408, A replaced by G.
Protein change: p.Gln136=; no amino-acid change (glutamine 136 retained).
Molecular consequence: synonymous variant. On other transcripts: 5 prime UTR variant (2).
Genome position (GRCh38, 1-based): chr16:68,808,444, A>G. VCF-style: chr16-68808444-A-G. GRCh37 (hg19) VCF-style: chr16-68842347-A-G.
Other names: NM_004360.5(CDH1):c.408A>G; p.Gln136=; c.408A>G (LRG_301t1); c.408A>G, p.Gln136= (NM_001317184.2); c.-1208A>G (NM_001317185.2); c.-1412A>G (NM_001317186.2).
Identifiers: ClinVar variation 406639 (VCV000406639.27), dbSNP rs1060501229, ClinGen allele CA16614941.

ClinVar aggregate classification (germline): Likely benign. Review status: reviewed by expert panel (3 of 4 stars). 9 submissions from 9 submitters: Likely benign (1). 8 of the submissions do not count toward it. Last evaluated 2023-09-25.

Conditions:
CDH1-related diffuse gastric and lobular breast cancer syndrome. Also called: CDH1-related diffuse gastric and lobular breast cancer. Identifiers: MedGen CN311521, MONDO:0100488.
Hereditary cancer-predisposing syndrome. Also called: Tumor predisposition; Neoplastic Syndromes, Hereditary; Hereditary Cancer Syndrome; Hereditary neoplastic syndrome. Identifiers: Orphanet 140162, MedGen C0027672, MeSH D009386, MONDO:0015356.
Hereditary diffuse gastric adenocarcinoma (HDGC). Also called: DIFFUSE GASTRIC AND LOBULAR BREAST CANCER SYNDROME. Identifiers: Orphanet 26106, MedGen C1708349, MONDO:0007648, OMIM 137215.

Allele frequency attached by ClinVar (database versions not stated): gnomAD exomes below 0.00001; TOPMed below 0.00001.
gnomAD v4.1: 5 of 1,614,154 alleles (0.00031%); highest among the groups gnomAD compares: African/African-American, 0.0013%; no homozygotes.

Submissions (9):

Clingen Gastric Cancer Variant Curation Expert Panel
Classification: Likely benign for CDH1-related diffuse gastric and lobular breast cancer syndrome. Last evaluated: 2023-09-25. Review status: reviewed by expert panel. Criteria: ClinGen CDH1 ACMG Specifications V3.1. Collection method: curation. Allele origin: germline. Inheritance: Autosomal dominant inheritance.
Comment: The c.408A>G (p.Gln136=) variant results in a synonymous change in exon 4 of CDH1. This is a silent variant that occurs at a position that is not highly conserved and for which splicing predictors do not suggest an impact on splicing (BP4, BP7). This variant is absent from the gnomAD population database v3.1.2. This variant was identified in 29 individuals without DGC, LBC, SRC tumours and whose families do not suggest HDGC (BS2; PMID: 30287823, 36436516, and internal laboratory contributors). In summary, this variant is classified as likely benign based on ACMG/AMP criteria applied as likely benign specified by the CDH1 Variant Curation Expert Panel: BS2, BP4, BP7.

Center for Genomic Medicine, Rigshospitalet, Copenhagen University Hospital
Classification: Likely benign. Last evaluated: 2025-03-04. Review status: criteria provided, single submitter. Criteria: ACMG Guidelines, 2015. Collection method: clinical testing. Allele origin: germline. Not counted in ClinVar's aggregate classification.

Myriad Genetics, Inc.
Classification: Benign for Hereditary diffuse gastric adenocarcinoma. Last evaluated: 2024-09-12. Review status: criteria provided, single submitter. Criteria: Myriad Autosomal Dominant, Autosomal Recessive and X-Linked Classification Criteria (2023). Collection method: clinical testing. Allele origin: unknown. Not counted in ClinVar's aggregate classification.
Comment: This variant is considered benign. This variant is a silent/synonymous amino acid change and it is not expected to impact splicing.

Labcorp Genetics (formerly Invitae), Labcorp
Classification: Likely benign for Hereditary diffuse gastric adenocarcinoma. Last evaluated: 2024-08-07. Review status: criteria provided, single submitter. Criteria: Invitae Variant Classification Sherloc (09022015). Collection method: clinical testing. Allele origin: germline. Not counted in ClinVar's aggregate classification.

Color Diagnostics, LLC DBA Color Health
Classification: Likely benign for Hereditary cancer-predisposing syndrome. Last evaluated: 2020-09-29. Review status: criteria provided, single submitter. Criteria: ACMG Guidelines, 2015. Collection method: clinical testing. Allele origin: germline. Not counted in ClinVar's aggregate classification.

Women's Health and Genetics/Laboratory Corporation of America, LabCorp
Classification: Likely benign. Last evaluated: 2019-08-28. Review status: criteria provided, single submitter. Criteria: LabCorp Variant Classification Summary - May 2015. Collection method: clinical testing. Allele origin: germline. Not counted in ClinVar's aggregate classification.

PreventionGenetics, part of Exact Sciences
Classification: Uncertain significance. Last evaluated: 2017-04-19. Review status: criteria provided, single submitter. Criteria: ACMG Guidelines, 2015. Collection method: clinical testing. Allele origin: germline. Not counted in ClinVar's aggregate classification.

Ambry Genetics
Classification: Likely benign for Hereditary cancer-predisposing syndrome. Last evaluated: 2015-09-09. Review status: criteria provided, single submitter. Criteria: Ambry Variant Classification Scheme 2023. Collection method: clinical testing. Allele origin: germline. Not counted in ClinVar's aggregate classification.

GeneDx
Classification: Benign. Last evaluated: 2015-07-05. Review status: criteria provided, single submitter. Criteria: GeneDx Variant Classification Process June 2021. Collection method: clinical testing. Allele origin: germline. Affected: yes. Not counted in ClinVar's aggregate classification.